The following is an entry in ClinVar:

ClinVar aggregate classification (germline): Pathogenic (1 of 4 stars; one submission).

Submission:

Labcorp Genetics (formerly Invitae), Labcorp
Classification: Pathogenic. Last evaluated: 2022-12-06. Review status: criteria provided, single submitter. Criteria: Invitae Variant Classification Sherloc (09022015). Collection method: clinical testing. Allele origin: germline.
Comment: This sequence change creates a premature translational stop signal (p.Ser246Valfs*16) in the MLC1 gene. It is expected to result in an absent or disrupted protein product. Loss-of-function variants in MLC1 are known to be pathogenic (PMID: 11254442, 16470554, 24824219). This variant is not present in population databases (gnomAD no frequency). This variant has not been reported in the literature in individuals affected with MLC1-related conditions. For these reasons, this variant has been classified as Pathogenic.

Literature cited by the submitters: PubMed 11254442; PubMed 16470554; PubMed 24824219.

NM_015166.4(MLC1):c.735del (p.Ser246fs)

Gene: MLC1 (modulator of VRAC current 1; minus strand). Cytogenetic location: 22q13.33.
Variant type: Deletion.
Coding change: c.735del on transcript NM_015166.4 (MANE Select); coding-DNA position 735, one base deleted (C; older notation c.735delC).
Protein change: p.Ser246fs; shifts the reading frame from serine 246.
Molecular consequence: frameshift variant. On other transcripts: non-coding transcript variant (3), intron variant (1).
Genome position (GRCh38, 1-based): chr22:50,070,563, G deleted on the plus strand (C on the coding strand, the reverse complement: MLC1 is on the minus strand); the first of 2 consecutive G bases (chr22:50,070,563-50,070,564); deleting either gives the same sequence. VCF-style (leftmost placement, unchanged base first): chr22-50070562-TG-T. GRCh37 (hg19) VCF-style: chr22-50508991-TG-T.
Other names: c.735del, p.Ser246fs (NM_001376472.1, NM_001376473.1, NM_001376474.1 and 5 more transcripts); c.645del, p.Ser216fs (NM_001376480.1); c.633del, p.Ser212fs (NM_001376481.1); c.579del, p.Ser194fs (NM_001376482.1, NM_001376483.1); c.498del, p.Ser167fs (NM_001376484.1); c.715-2008del (NM_001376479.1); short protein forms S216fs, S212fs, S246fs, S167fs, S194fs.
Identifiers: ClinVar variation 2160757 (VCV002160757.4), dbSNP rs2518502381, ClinGen allele CA2580099909.